The following is an entry in ClinVar:

NM_001267550.2(TTN):c.55927C>T (p.Gln18643Ter)

Genes: TTN (titin; minus strand), TTN-AS1 (TTN antisense RNA 1; plus strand). Cytogenetic location: 2q31.2.
Variant type: single nucleotide variant.
Coding change: c.55927C>T on transcript NM_001267550.2 (MANE Select); coding-DNA position 55927, C replaced by T.
Protein change: p.Gln18643Ter; replaces glutamine 18643 with a stop codon.
Molecular consequence: nonsense.
Genome position (GRCh38, 1-based): chr2:178,600,977, G>A on the plus strand (C>T on the coding strand, the complement: TTN is on the minus strand). VCF-style: chr2-178600977-G-A. GRCh37 (hg19) VCF-style: chr2-179465704-G-A.
Other names: c.51004C>T, p.Gln17002Ter (NM_001256850.1); c.28732C>T, p.Gln9578Ter (NM_003319.4); c.48223C>T, p.Gln16075Ter (NM_133378.4); c.29107C>T, p.Gln9703Ter (NM_133432.3); c.29308C>T, p.Gln9770Ter (NM_133437.4); short protein forms Q9578*, Q16075*, Q18643*, Q9703*, Q17002*, Q9770*.
Identifiers: ClinVar variation 2022400 (VCV002022400.4), dbSNP rs2469979316, ClinGen allele CA349536555.

ClinVar aggregate classification (germline): Likely pathogenic (1 of 4 stars; one submission).

Conditions:
Autosomal recessive limb-girdle muscular dystrophy type 2J (LGMDR10). Also called: Limb-girdle muscular dystrophy, type 2J; MUSCULAR DYSTROPHY, LIMB-GIRDLE, AUTOSOMAL RECESSIVE 10. Identifiers: Orphanet 140922, MedGen C1837342, MONDO:0012127, OMIM 608807.
Dilated cardiomyopathy 1G (CMD1G). Identifiers: Orphanet 154, MedGen C1858763, MONDO:0011400, OMIM 604145.

Submission:

Labcorp Genetics (formerly Invitae), Labcorp
Classification: Likely pathogenic for Dilated cardiomyopathy 1G; Autosomal recessive limb-girdle muscular dystrophy type 2J. Last evaluated: 2022-08-07. Review status: criteria provided, single submitter. Criteria: Invitae Variant Classification Sherloc (09022015). Collection method: clinical testing. Allele origin: germline.
Comment: This sequence change creates a premature translational stop signal (p.Gln18643*) in the TTN gene. While this is not anticipated to result in nonsense mediated decay, it is expected to create a truncated TTN protein. In summary, the currently available evidence indicates that the variant is pathogenic, but additional data are needed to prove that conclusively. Therefore, this variant has been classified as Likely Pathogenic. This variant is located in the A band of TTN (PMID: 25589632). Truncating variants in this region are significantly overrepresented in patients affected with dilated cardiomyopathy (PMID: 25589632). Truncating variants in this region have also been reported in individuals affected with autosomal recessive centronuclear myopathy (PMID: 23975875). This variant has not been reported in the literature in individuals affected with TTN-related conditions. This variant is not present in population databases (gnomAD no frequency).

Literature cited by the submitters: PubMed 25589632; PubMed 23975875.